The following is an entry in ClinVar:

ClinVar aggregate classification (germline): Uncertain significance (1 of 4 stars; one submission).

gnomAD v4.1: 2 of 1,614,138 alleles (0.00012%); highest among the groups gnomAD compares: Non-Finnish European, 0.00017%; no homozygotes.

Submission:

Labcorp Genetics (formerly Invitae), Labcorp
Classification: Uncertain significance. Last evaluated: 2025-02-06. Review status: criteria provided, single submitter. Criteria: Invitae Variant Classification Sherloc (09022015). Collection method: clinical testing. Allele origin: germline.
Comment: This sequence change replaces alanine, which is neutral and non-polar, with threonine, which is neutral and polar, at codon 1872 of the DSCAML1 protein (p.Ala1872Thr). This variant is not present in population databases (gnomAD no frequency). This variant has not been reported in the literature in individuals affected with DSCAML1-related conditions. An algorithm developed to predict the effect of missense changes on protein structure and function (PolyPhen-2) suggests that this variant is likely to be disruptive. In summary, the available evidence is currently insufficient to determine the role of this variant in disease. Therefore, it has been classified as a Variant of Uncertain Significance.

NM_020693.4(DSCAML1):c.5434G>A (p.Ala1812Thr)

Gene: DSCAML1 (DS cell adhesion molecule like 1; minus strand). Cytogenetic location: 11q23.3.
Variant type: single nucleotide variant.
Coding change: c.5434G>A on transcript NM_020693.4 (MANE Select); coding-DNA position 5434, G replaced by A.
Protein change: p.Ala1812Thr; replaces alanine 1812 with threonine.
Molecular consequence: missense variant.
Genome position (GRCh38, 1-based): chr11:117,430,974, C>T on the plus strand (G>A on the coding strand, the complement: DSCAML1 is on the minus strand). VCF-style: chr11-117430974-C-T. GRCh37 (hg19) VCF-style: chr11-117301690-C-T.
Other names: short protein forms A1812T.
Identifiers: ClinVar variation 4702896 (VCV004702896.1).